The following is an entry in ClinVar:

ClinVar aggregate classification (germline): Likely benign (1 of 4 stars; one submission).

Allele frequency attached by ClinVar (database versions not stated): gnomAD 0.00001; gnomAD exomes 0.00001 and 0.00003; TOPMed 0.00001; ExAC 0.00002.
gnomAD v4.1: 34 of 1,528,508 alleles (0.0022%); highest among the groups gnomAD compares: Non-Finnish European, 0.003%; no homozygotes.

Submission:

GeneDx
Classification: Likely benign. Last evaluated: 2017-10-31. Review status: criteria provided, single submitter. Criteria: GeneDx Variant Classification (06012015). Collection method: clinical testing. Allele origin: germline. Affected: yes.
Comment: This variant is considered likely benign or benign based on one or more of the following criteria: it is a conservative change, it occurs at a poorly conserved position in the protein, it is predicted to be benign by multiple in silico algorithms, and/or has population frequency not consistent with disease.

NM_001267550.2(TTN):c.41330-6C>T

Gene: TTN (titin; minus strand). Cytogenetic location: 2q31.2.
Variant type: single nucleotide variant.
Coding change: c.41330-6C>T on transcript NM_001267550.2 (MANE Select); 6 bases into the intron before coding-DNA position 41330, C replaced by T.
Molecular consequence: intron variant.
Genome position (GRCh38, 1-based): chr2:178,636,247, G>A on the plus strand (C>T on the coding strand, the complement: TTN is on the minus strand). VCF-style: chr2-178636247-G-A. GRCh37 (hg19) VCF-style: chr2-179500974-G-A.
Other names: c.14135-6C>T (NM_003319.4); c.14711-6C>T (NM_133437.4); c.14510-6C>T (NM_133432.3); c.33626-6C>T (NM_133378.4); c.36407-6C>T (NM_001256850.1).
Identifiers: ClinVar variation 516817 (VCV000516817.1), dbSNP rs776172577, ClinGen allele CA1996279.